The following is an entry in ClinVar:

NM_001164508.2(NEB):c.402+1G>T

Gene: NEB (nebulin; minus strand). Cytogenetic location: 2q23.3.
Variant type: single nucleotide variant.
Coding change: c.402+1G>T on transcript NM_001164508.2 (MANE Select); the canonical splice donor site of the intron after coding-DNA position 402, G replaced by T.
Molecular consequence: splice donor variant.
Genome position (GRCh38, 1-based): chr2:151,725,452, C>A on the plus strand (G>T on the coding strand, the complement: NEB is on the minus strand). VCF-style: chr2-151725452-C-A. GRCh37 (hg19) VCF-style: chr2-152581966-C-A.
Other names: c.402+1G>T (NM_004543.5, NM_001164507.2, NM_001271208.2).
Identifiers: ClinVar variation 2112782 (VCV002112782.4), dbSNP rs2552279972, ClinGen allele CA348793297.
Genomic context (GRCh38, chr2:151,725,452, plus strand): 5'-ATTCCCAGCAGTAGGTGTATTTTGAAATGTCCCTCTCCTTTATTTCAGCAATGCAGCCCA[C>A]CTCACTGAGTTGATCTTGTACTTTTTTGATTCTGCGAAGTTCTGGAGTATCTGTTGTGCT-3'

ClinVar aggregate classification (germline): Likely pathogenic (1 of 4 stars; one submission).

Conditions:
Nemaline myopathy 2 (NEM2). Also called: Nemaline myopathy 2, autosomal recessive. Identifiers: MedGen C1850569, MONDO:0009725, OMIM 256030.

Submission:

Labcorp Genetics (formerly Invitae), Labcorp
Classification: Likely pathogenic for Nemaline myopathy 2. Last evaluated: 2022-03-15. Review status: criteria provided, single submitter. Criteria: Invitae Variant Classification Sherloc (09022015). Collection method: clinical testing. Allele origin: germline.
Comment: In summary, the currently available evidence indicates that the variant is pathogenic, but additional data are needed to prove that conclusively. Therefore, this variant has been classified as Likely Pathogenic. Algorithms developed to predict the effect of sequence changes on RNA splicing suggest that this variant may disrupt the consensus splice site. This variant has not been reported in the literature in individuals affected with NEB-related conditions. This variant is not present in population databases (gnomAD no frequency). This sequence change affects a donor splice site in intron 6 of the NEB gene. It is expected to disrupt RNA splicing. Variants that disrupt the donor or acceptor splice site typically lead to a loss of protein function (PMID: 16199547), and loss-of-function variants in NEB are known to be pathogenic (PMID: 25205138).

Literature cited by the submitters: PubMed 16199547; PubMed 25205138.